The following is an entry in ClinVar:

ClinVar aggregate classification (germline): Uncertain significance (1 of 4 stars; one submission).

Conditions:
Joubert syndrome. Also called: CEREBELLOPARENCHYMAL DISORDER IV; JOUBERT-BOLTSHAUSER SYNDROME; Familial aplasia of the vermis. Identifiers: Orphanet 475, MedGen C5979921, MONDO:0018772.
Meckel-Gruber syndrome. Also called: DYSENCEPHALIA SPLANCHNOCYSTICA; GRUBER SYNDROME; Dysencephalia splachnocystica. Identifiers: Orphanet 564, MedGen C0265215, MONDO:0018921.

gnomAD v4.1: 12 of 1,614,008 alleles (0.00074%); highest among the groups gnomAD compares: Admixed American, 0.0017%; no homozygotes.

Submission:

Labcorp Genetics (formerly Invitae), Labcorp
Classification: Uncertain significance for Joubert syndrome; Meckel-Gruber syndrome. Last evaluated: 2022-10-13. Review status: criteria provided, single submitter. Criteria: Invitae Variant Classification Sherloc (09022015). Collection method: clinical testing. Allele origin: germline.
Comment: ClinVar contains an entry for this variant (Variation ID: 1438824). In summary, the available evidence is currently insufficient to determine the role of this variant in disease. Therefore, it has been classified as a Variant of Uncertain Significance. Advanced modeling of protein sequence and biophysical properties (such as structural, functional, and spatial information, amino acid conservation, physicochemical variation, residue mobility, and thermodynamic stability) performed at Invitae indicates that this missense variant is expected to disrupt TCTN2 protein function. This variant has not been reported in the literature in individuals affected with TCTN2-related conditions. This variant is present in population databases (no rsID available, gnomAD 0.0009%). This sequence change replaces threonine, which is neutral and polar, with arginine, which is basic and polar, at codon 78 of the TCTN2 protein (p.Thr78Arg).

NM_024809.5(TCTN2):c.233C>G (p.Thr78Arg)

Gene: TCTN2 (tectonic family member 2; plus strand). Cytogenetic location: 12q24.31.
Variant type: single nucleotide variant.
Coding change: c.233C>G on transcript NM_024809.5 (MANE Select); coding-DNA position 233, C replaced by G.
Protein change: p.Thr78Arg; replaces threonine 78 with arginine.
Molecular consequence: missense variant.
Genome position (GRCh38, 1-based): chr12:123,672,098, C>G. VCF-style: chr12-123672098-C-G. GRCh37 (hg19) VCF-style: chr12-124156645-C-G.
Other names: c.233C>G, p.Thr78Arg (NM_001143850.3); short protein forms T78R.
Identifiers: ClinVar variation 1438824 (VCV001438824.6), dbSNP rs1015790415, ClinGen allele CA387155311.
Genomic context (GRCh38, chr12:123,672,098, plus strand): 5'-CTGGTCTTCTTTCTTTAGGAATATTGCCAATTCCGACGTGTGGAGTGCTGAACAATGAGA[C>G]GGAAGACTGGAGCGTGACTGTGATCCCCGGTGCGGTAAGGCCAGAAGTAAACCTTCTCTG-3'
Protein context (NP_079085.2, residues 68-88): IPTCGVLNNE[Thr78Arg]EDWSVTVIPG